The following is an entry in ClinVar:

ClinVar aggregate classification (germline): Conflicting classifications of pathogenicity. Review status: criteria provided, conflicting classifications (1 of 4 stars). 6 submissions from 6 submitters: Uncertain significance (4); Likely benign (2). Last evaluated 2026-08-06.

Conditions:
Methylmalonic aciduria due to methylmalonyl-CoA mutase deficiency (MAMM). Also called: Methylmalonic aciduria, mut type. Identifiers: Orphanet 27, MedGen C1855114, MONDO:0009612, OMIM 251000.
MMUT-related disorder. Also called: MMUT-related condition.

Allele frequency attached by ClinVar (database versions not stated): gnomAD 0.00067 and 0.00079; 1000 Genomes Project 30x 0.00031; TOPMed 0.00081; ESP Exome Variant Server 0.00123; gnomAD exomes 0.00006 and 0.00022; ExAC 0.00027; 1000 Genomes Project 0.00040.

Submissions (6):

OLLIN Analises Genomicas, OLLIN
Classification: Uncertain significance for Methylmalonic aciduria due to methylmalonyl-CoA mutase deficiency. Last evaluated: 2026-08-06. Review status: criteria provided, single submitter. Criteria: ACMG Guidelines 2015 PMID 25741868. Collection method: clinical testing. Allele origin: germline. Inheritance: Autosomal recessive inheritance.
Comment: This missense variant, located in exon 10 (of 13), has been reported in ClinVar (accession VCV000357256.17) and in gnomAD with an allele frequency of 0.012%. However, to our knowledge, it has not been reported in the scientific literature. In silico analysis predicts that this variant has a deleterious effect. This gene is constrained for missense variation. According to the currently available evidence, this variant has been classified as uncertain significance (PM2_P, PP2, PP3).

Labcorp Genetics (formerly Invitae), Labcorp
Classification: Likely benign. Last evaluated: 2026-01-28. Review status: criteria provided, single submitter. Criteria: Invitae Variant Classification Sherloc (09022015). Collection method: clinical testing. Allele origin: germline.

GeneDx
Classification: Uncertain significance. Last evaluated: 2025-05-14. Review status: criteria provided, single submitter. Criteria: GeneDx Variant Classification Process June 2021. Collection method: clinical testing. Allele origin: germline. Affected: yes.
Comment: In silico analysis supports that this missense variant has a deleterious effect on protein structure/function; Has not been previously published as pathogenic or benign to our knowledge; In silico analysis suggests this variant may impact gene splicing. In the absence of RNA/functional studies, the actual effect of this sequence change is unknown.

PreventionGenetics, part of Exact Sciences
Classification: Likely benign for MMUT-related condition. Last evaluated: 2024-11-11. Review status: criteria provided, single submitter. Criteria: ACMG Guidelines, 2015. Collection method: clinical testing. Allele origin: germline.
Comment: This variant is classified as likely benign based on ACMG/AMP sequence variant interpretation guidelines (Richards et al. 2015 PMID: 25741868, with internal and published modifications).

Laboratorio de Genetica e Diagnostico Molecular, Hospital Israelita Albert Einstein
Classification: Uncertain significance for Methylmalonic aciduria due to methylmalonyl-CoA mutase deficiency. Last evaluated: 2024-06-02. Review status: criteria provided, single submitter. Criteria: ACMG Guidelines, 2015. Collection method: clinical testing. Allele origin: germline. Affected: yes.
Comment: ACMG classification criteria: PP3 supporting

Illumina Laboratory Services, Illumina
Classification: Uncertain significance for Methylmalonic aciduria due to methylmalonyl-CoA mutase deficiency. Last evaluated: 2018-01-12. Review status: criteria provided, single submitter. Criteria: ICSL Variant Classification Criteria 13 December 2019. Collection method: clinical testing. Allele origin: germline.

NM_000255.4(MMUT):c.1762C>T (p.Arg588Cys)

Gene: MMUT (methylmalonyl-CoA mutase; minus strand). Cytogenetic location: 6p12.3.
Variant type: single nucleotide variant.
Coding change: c.1762C>T on transcript NM_000255.4 (MANE Select); coding-DNA position 1762, C replaced by T.
Protein change: p.Arg588Cys; replaces arginine 588 with cysteine.
Molecular consequence: missense variant.
Genome position (GRCh38, 1-based): chr6:49,441,886, G>A on the plus strand (C>T on the coding strand, the complement: MMUT is on the minus strand). VCF-style: chr6-49441886-G-A. GRCh37 (hg19) VCF-style: chr6-49409599-G-A.
Other names: short protein forms R588C.
Identifiers: ClinVar variation 357256 (VCV000357256.18), dbSNP rs140727018, ClinGen allele CA3846755.